The following is an entry in ClinVar:

ClinVar aggregate classification (germline): Uncertain significance (1 of 4 stars; one submission).

Conditions:
Hereditary cancer-predisposing syndrome. Also called: Neoplastic Syndromes, Hereditary; Tumor predisposition; Hereditary neoplastic syndrome; Hereditary Cancer Syndrome. Identifiers: Orphanet 140162, MedGen C0027672, MeSH D009386, MONDO:0015356.

Submission:

Ambry Genetics
Classification: Uncertain significance for Hereditary cancer-predisposing syndrome. Last evaluated: 2019-01-28. Review status: criteria provided, single submitter. Criteria: Ambry Variant Classification Scheme 2023. Collection method: clinical testing. Allele origin: germline.
Comment: The p.V125I variant (also known as c.373G>A), located in coding exon 3 of the RET gene, results from a G to A substitution at nucleotide position 373. The valine at codon 125 is replaced by isoleucine, an amino acid with highly similar properties. This amino acid position is highly conserved in available vertebrate species. In addition, the in silico prediction for this alteration is inconclusive. Since supporting evidence is limited at this time, the clinical significance of this alteration remains unclear.

NM_020975.6(RET):c.373G>A (p.Val125Ile)

Gene: RET (ret proto-oncogene; plus strand). Cytogenetic location: 10q11.21.
Variant type: single nucleotide variant.
Coding change: c.373G>A on transcript NM_020975.6 (MANE Select); coding-DNA position 373, G replaced by A.
Protein change: p.Val125Ile; replaces valine 125 with isoleucine.
Molecular consequence: missense variant.
Genome position (GRCh38, 1-based): chr10:43,102,377, G>A. VCF-style: chr10-43102377-G-A. GRCh37 (hg19) VCF-style: chr10-43597825-G-A.
Other names: c.373G>A, p.Val125Ile (NM_000323.2, NM_001406743.1, NM_001406744.1 and 16 more transcripts); short protein forms V125I.
Identifiers: ClinVar variation 824146 (VCV000824146.6), dbSNP rs1588863924, ClinGen allele CA376770686.